The following is an entry in ClinVar:

ClinVar aggregate classification (germline): Likely benign. Review status: criteria provided, multiple submitters, no conflicts (2 of 4 stars). 2 submissions from 2 submitters: Likely benign (2). Last evaluated 2026-08-26.

Conditions:
GLIS3-related disorder. Also called: GLIS3-related condition.

gnomAD v4.1: 21 of 1,585,802 alleles (0.0013%); highest among the groups gnomAD compares: East Asian, 0.023%; no homozygotes.

Submissions (2):

PreventionGenetics, part of Exact Sciences
Classification: Likely benign for GLIS3-related condition. Last evaluated: 2026-08-26. Review status: criteria provided, single submitter. Criteria: ACMG Guidelines, 2015. Collection method: clinical testing. Allele origin: germline.
Comment: This variant is classified as likely benign based on ACMG/AMP sequence variant interpretation guidelines (Richards et al. 2015 PMID: 25741868, with internal and published modifications).

Labcorp Genetics (formerly Invitae), Labcorp
Classification: Likely benign. Last evaluated: 2024-05-13. Review status: criteria provided, single submitter. Criteria: Invitae Variant Classification Sherloc (09022015). Collection method: clinical testing. Allele origin: germline.

NM_001042413.2(GLIS3):c.1275C>T (p.Ala425=)

Gene: GLIS3 (GLIS family zinc finger 3; minus strand). Cytogenetic location: 9p24.2.
Variant type: single nucleotide variant.
Coding change: c.1275C>T on transcript NM_001042413.2 (MANE Select); coding-DNA position 1275, C replaced by T.
Protein change: p.Ala425=; no amino-acid change (alanine 425 retained).
Molecular consequence: synonymous variant.
Genome position (GRCh38, 1-based): chr9:4,118,203, G>A on the plus strand (C>T on the coding strand, the complement: GLIS3 is on the minus strand). VCF-style: chr9-4118203-G-A. GRCh37 (hg19) VCF-style: chr9-4118203-G-A.
Other names: c.810C>T, p.Ala270= (NM_152629.4); c.1275C>T (NM_001042413.1).
Identifiers: ClinVar variation 3713017 (VCV003713017.3).